The following is an entry in ClinVar:

NM_004168.4(SDHA):c.619_620delinsC (p.Ser208fs)

Gene: SDHA (succinate dehydrogenase complex flavoprotein subunit A; plus strand). Cytogenetic location: 5p15.33.
Variant type: Indel.
Coding change: c.619_620delinsC on transcript NM_004168.4 (MANE Select); coding-DNA positions 619 to 620, AG replaced by C.
Protein change: p.Ser208fs; shifts the reading frame from serine 208.
Molecular consequence: frameshift variant.
Genome position (GRCh38, 1-based): chr5:226,045-226,046, AG replaced by C. VCF-style: chr5-226045-AG-C. GRCh37 (hg19) VCF-style: chr5-226160-AG-C.
Other names: c.475_476delinsC, p.Ser160fs (NM_001294332.2); c.619_620delinsC, p.Ser208fs (NM_001330758.2); short protein forms S160fs, S208fs.
Identifiers: ClinVar variation 660785 (VCV000660785.6), dbSNP rs1579386206, ClinGen allele CA915943304.

ClinVar aggregate classification (germline): Pathogenic (1 of 4 stars; one submission).

Conditions:
Pheochromocytoma/paraganglioma syndrome 5. Also called: Paragangliomas 5; SDHA-Related Hereditary Paraganglioma-Pheochromocytoma Syndrome. Identifiers: Orphanet 29072, MedGen C3279992, MONDO:0013602, OMIM 614165.
Mitochondrial complex II deficiency, nuclear type 1. Also called: SUCCINATE CoQ REDUCTASE DEFICIENCY. Identifiers: Orphanet 3208, MedGen C5700310, MONDO:0100294, OMIM 252011.

Submission:

Labcorp Genetics (formerly Invitae), Labcorp
Classification: Pathogenic for Pheochromocytoma/paraganglioma syndrome 5; Mitochondrial complex II deficiency, nuclear type 1. Last evaluated: 2018-08-08. Review status: criteria provided, single submitter. Criteria: Invitae Variant Classification Sherloc (09022015). Collection method: clinical testing. Allele origin: germline.
Comment: This variant has not been reported in the literature in individuals with SDHA-related disease. This variant is not present in population databases (ExAC no frequency). This sequence change creates a premature translational stop signal (p.Ser208Leufs*18) in the SDHA gene. It is expected to result in an absent or disrupted protein product. For these reasons, this variant has been classified as Pathogenic. Loss-of-function variants in SDHA are known to be pathogenic (PMID: 22974104, 24781757).

Literature cited by the submitters: PubMed 22974104; PubMed 24781757.